The following is an entry in ClinVar:

NM_001040142.2(SCN2A):c.1672-2A>G

Gene: SCN2A (sodium voltage-gated channel alpha subunit 2; plus strand). Cytogenetic location: 2q24.3.
Variant type: single nucleotide variant.
Coding change: c.1672-2A>G on transcript NM_001040142.2 (MANE Select); the canonical splice acceptor site of the intron before coding-DNA position 1672, A replaced by G.
Molecular consequence: splice acceptor variant.
Genome position (GRCh38, 1-based): chr2:165,323,154, A>G. VCF-style: chr2-165323154-A-G. GRCh37 (hg19) VCF-style: chr2-166179664-A-G.
Other names: c.1672-2A>G (NM_001040143.2, NM_001371246.1, NM_001371247.1 and 1 more transcripts).
Identifiers: ClinVar variation 2134674 (VCV002134674.4), dbSNP rs2467933218, ClinGen allele CA349026133.
Genomic context (GRCh38, chr2:165,323,154, plus strand): 5'-TTCAGAATGCCAGCTCTTAACTCTCTTCATCTCATTTTTGTTTCTTCTCTTGTTATTCAT[A>G]GTCCTTACTGAGCATCCGTGGCTCCCTTTTCTCTCCAAGACGCAACAGTAGGGCGAGCCT-3'

ClinVar aggregate classification (germline): Likely pathogenic (1 of 4 stars; one submission).

Conditions:
Seizures, benign familial infantile, 3 (BFIS3). Also called: Familial neonatal seizures; CONVULSIONS, BENIGN FAMILIAL INFANTILE, 3. Identifiers: Orphanet 140927, Orphanet 306, MedGen C1843140, MONDO:0011904, OMIM 607745.
Developmental and epileptic encephalopathy, 11 (DEE11). Also called: Early infantile epileptic encephalopathy 11. Identifiers: Orphanet 1934, MedGen C3150987, MONDO:0013388, OMIM 613721.

Submission:

Labcorp Genetics (formerly Invitae), Labcorp
Classification: Likely pathogenic for Seizures, benign familial infantile, 3; Developmental and epileptic encephalopathy, 11. Last evaluated: 2022-05-06. Review status: criteria provided, single submitter. Criteria: Invitae Variant Classification Sherloc (09022015). Collection method: clinical testing. Allele origin: germline.
Comment: This sequence change affects an acceptor splice site in intron 11 of the SCN2A gene. It is expected to disrupt RNA splicing. Variants that disrupt the donor or acceptor splice site typically lead to a loss of protein function (PMID: 16199547), and loss-of-function variants in SCN2A are known to be pathogenic (PMID: 28379373). This variant is not present in population databases (gnomAD no frequency). In summary, the currently available evidence indicates that the variant is pathogenic, but additional data are needed to prove that conclusively. Therefore, this variant has been classified as Likely Pathogenic. Algorithms developed to predict the effect of sequence changes on RNA splicing suggest that this variant may disrupt the consensus splice site. This variant has not been reported in the literature in individuals affected with SCN2A-related conditions.

Literature cited by the submitters: PubMed 16199547; PubMed 28379373.